The following is an entry in ClinVar:

NM_033109.5(PNPT1):c.1258del (p.Asp420fs)

Gene: PNPT1 (polyribonucleotide nucleotidyltransferase 1; minus strand). Cytogenetic location: 2p16.1.
Variant type: Deletion.
Coding change: c.1258del on transcript NM_033109.5 (MANE Select); coding-DNA position 1258, one base deleted (G; older notation c.1258delG).
Protein change: p.Asp420fs; shifts the reading frame from aspartic acid 420.
Molecular consequence: frameshift variant.
Genome position (GRCh38, 1-based): chr2:55,660,183, C deleted on the plus strand (G on the coding strand, the reverse complement: PNPT1 is on the minus strand). VCF-style (leftmost placement, unchanged base first): chr2-55660182-TC-T. GRCh37 (hg19) VCF-style: chr2-55887317-TC-T.
Other names: short protein forms D420fs.
Identifiers: ClinVar variation 4540450 (VCV004540450.1).
Genomic context (GRCh38, chr2:55,660,182, plus strand): 5'-ATTAATAAAATTTTGAGGAAAAAAATTCACCTTACCTCGTAGTGCAGCATGAAATTTTTA[TC>T]TTTTATCCCACTAAAAATAAAAGGCATAATATTAAAAACATCATAGGGAAAAAACATATT-3'

ClinVar aggregate classification (germline): Pathogenic (1 of 4 stars; one submission).

Conditions:
Monogenic hearing loss.

Submission:

Genetics Laboratory, Great Ormond Street Hospital NHS Foundation Trust, North Thames Genomic Laboratory Hub
Classification: Pathogenic for Monogenic hearing loss. Last evaluated: 2025-11-03. Review status: criteria provided, single submitter. Criteria: ACGS Best Practice Guidelines for Variant Classification in Rare Disease 2024 v1.2. Collection method: clinical testing. Allele origin: germline. Affected: yes.
Comment: PM2_moderate, PVS1_very-strong